The following is an entry in ClinVar:

ClinVar aggregate classification (germline): Pathogenic (1 of 4 stars; one submission).

Submission:

Labcorp Genetics (formerly Invitae), Labcorp
Classification: Pathogenic. Last evaluated: 2024-08-08. Review status: criteria provided, single submitter. Criteria: Invitae Variant Classification Sherloc (09022015). Collection method: clinical testing. Allele origin: germline.
Comment: This sequence change creates a premature translational stop signal (p.Trp2860*) in the HSPG2 gene. It is expected to result in an absent or disrupted protein product. Loss-of-function variants in HSPG2 are known to be pathogenic (PMID: 11279527, 16927315, 20542149, 23836246). This variant is not present in population databases (gnomAD no frequency). This variant has not been reported in the literature in individuals affected with HSPG2-related conditions. For these reasons, this variant has been classified as Pathogenic.

Literature cited by the submitters: PubMed 11279527; PubMed 16927315; PubMed 20542149; PubMed 23836246.

NM_005529.7(HSPG2):c.8580G>A (p.Trp2860Ter)

Gene: HSPG2 (heparan sulfate proteoglycan 2; minus strand). Cytogenetic location: 1p36.12.
Variant type: single nucleotide variant.
Coding change: c.8580G>A on transcript NM_005529.7 (MANE Select); coding-DNA position 8580, G replaced by A.
Protein change: p.Trp2860Ter; replaces tryptophan 2860 with a stop codon.
Molecular consequence: nonsense.
Genome position (GRCh38, 1-based): chr1:21,844,184, C>T on the plus strand (G>A on the coding strand, the complement: HSPG2 is on the minus strand). VCF-style: chr1-21844184-C-T. GRCh37 (hg19) VCF-style: chr1-22170677-C-T.
Other names: c.8583G>A, p.Trp2861Ter (NM_001291860.2); short protein forms W2860*, W2861*.
Identifiers: ClinVar variation 3661247 (VCV003661247.2).
Genomic context (GRCh38, chr1:21,844,184, plus strand): 5'-TGCATCCTTCTCCAGCTCCTTTACCTGGTGCCGGGCAGGGAGGTTTCCTCCACGCTTGTG[C>T]CACGTGACCTGGGCGTGGGCCTGCCCGGGCACCACGCACTTCAGATCCAGGGTCTGCCCT-3'